The following is an entry in ClinVar:

ClinVar aggregate classification (germline): Uncertain significance (1 of 4 stars; one submission).

Submission:

Labcorp Genetics (formerly Invitae), Labcorp
Classification: Uncertain significance. Last evaluated: 2022-10-05. Review status: criteria provided, single submitter. Criteria: Invitae Variant Classification Sherloc (09022015). Collection method: clinical testing. Allele origin: germline.
Comment: In summary, the available evidence is currently insufficient to determine the role of this variant in disease. Therefore, it has been classified as a Variant of Uncertain Significance. Algorithms developed to predict the effect of sequence changes on RNA splicing suggest that this variant may disrupt the consensus splice site. This variant has not been reported in the literature in individuals affected with ASAH1-related conditions. This variant is not present in population databases (gnomAD no frequency). This sequence change falls in intron 10 of the ASAH1 gene. It does not directly change the encoded amino acid sequence of the ASAH1 protein.

NM_177924.5(ASAH1):c.786-15A>G

Gene: ASAH1 (N-acylsphingosine amidohydrolase 1; minus strand). Cytogenetic location: 8p22.
Variant type: single nucleotide variant.
Coding change: c.786-15A>G on transcript NM_177924.5 (MANE Select); 15 bases into the intron before coding-DNA position 786, A replaced by G.
Molecular consequence: intron variant.
Genome position (GRCh38, 1-based): chr8:18,059,718, T>C on the plus strand (A>G on the coding strand, the complement: ASAH1 is on the minus strand). VCF-style: chr8-18059718-T-C. GRCh37 (hg19) VCF-style: chr8-17917227-T-C.
Other names: c.834-15A>G (NM_004315.6); c.768-15A>G (NM_001127505.3); c.591-15A>G (NM_001363743.2).
Identifiers: ClinVar variation 2098568 (VCV002098568.2), dbSNP rs2537917887, ClinGen allele CA2580078023.
Genomic context (GRCh38, chr8:18,059,718, plus strand): 5'-GGCCAATATCTTGGTCTTGGTCAATAAATTCTTGGCTTCTTCATAACTATATAGAAACAT[T>C]TAAAAAGAAAAATGAAACTTTTTTTTAATTTTAGTAAATAACTTCATTTATTTTTAAATT-3'